The following is an entry in ClinVar:

ClinVar aggregate classification (germline): Uncertain significance (1 of 4 stars; one submission).

Conditions:
Developmental and epileptic encephalopathy, 54. Also called: Epileptic encephalopathy, early infantile, 54; HNRNPU-Related Neurodevelopmental Disorder. Identifiers: MedGen C4479319, MONDO:0033363, OMIM 617391.

Submission:

Labcorp Genetics (formerly Invitae), Labcorp
Classification: Uncertain significance for Developmental and epileptic encephalopathy, 54. Last evaluated: 2017-11-05. Review status: criteria provided, single submitter. Criteria: Invitae Variant Classification Sherloc (09022015). Collection method: clinical testing. Allele origin: germline.
Comment: In summary, the available evidence is currently insufficient to determine the role of this variant in disease. Therefore, it has been classified as a Variant of Uncertain Significance. Nucleotide substitutions within the consensus splice site are a relatively common cause of aberrant splicing (PMID: 17576681, 9536098). Algorithms developed to predict the effect of sequence changes on RNA splicing suggest that this variant is not likely to affect RNA splicing, but this prediction has not been confirmed by published transcriptional studies. This variant has not been reported in the literature in individuals with HNRNPU-related disease. This variant is not present in population databases (ExAC no frequency). This sequence change falls in intron 5 of the HNRNPU gene. It does not directly change the encoded amino acid sequence of the HNRNPU protein, but it affects a nucleotide within the consensus splice site of the intron.

Literature cited by the submitters: PubMed 17576681; PubMed 9536098.

NM_031844.3(HNRNPU):c.1117+6G>T

Gene: HNRNPU (heterogeneous nuclear ribonucleoprotein U; minus strand). Cytogenetic location: 1q44.
Variant type: single nucleotide variant.
Coding change: c.1117+6G>T on transcript NM_031844.3 (MANE Select); 6 bases into the intron after coding-DNA position 1117, G replaced by T.
Molecular consequence: intron variant.
Genome position (GRCh38, 1-based): chr1:244,859,269, C>A on the plus strand (G>T on the coding strand, the complement: HNRNPU is on the minus strand). VCF-style: chr1-244859269-C-A. GRCh37 (hg19) VCF-style: chr1-245022571-C-A.
Other names: c.1060+6G>T (NM_004501.3).
Identifiers: ClinVar variation 532562 (VCV000532562.9), dbSNP rs1553282840, ClinGen allele CA658795662.